The following is an entry in ClinVar:

NM_138694.4(PKHD1):c.7275del (p.Phe2425fs)

Gene: PKHD1 (PKHD1 ciliary IPT domain containing fibrocystin/polyductin; minus strand). Cytogenetic location: 6p12.2.
Variant type: Deletion.
Coding change: c.7275del on transcript NM_138694.4 (MANE Select); coding-DNA position 7275, one base deleted (T; older notation c.7275delT).
Protein change: p.Phe2425fs; shifts the reading frame from phenylalanine 2425.
Molecular consequence: frameshift variant.
Genome position (GRCh38, 1-based): chr6:51,883,168, A deleted on the plus strand (T on the coding strand, the reverse complement: PKHD1 is on the minus strand); the first of 4 consecutive A bases (chr6:51,883,168-51,883,171); deleting any one gives the same sequence. VCF-style (leftmost placement, unchanged base first): chr6-51883167-CA-C. GRCh37 (hg19) VCF-style: chr6-51747965-CA-C.
Other names: c.7275del, p.Phe2425fs (NM_170724.3); short protein forms F2425fs.
Identifiers: ClinVar variation 3035898 (VCV003035898.2), dbSNP rs2536180893, ClinGen allele CA2740091352.

ClinVar aggregate classification (germline): Pathogenic (0 of 4 stars; one submission).

Conditions:
PKHD1-related disorder. Also called: PKHD1-related condition.

Submission:

PreventionGenetics, part of Exact Sciences
Classification: Pathogenic for PKHD1-related condition. Last evaluated: 2024-02-15. Review status: no assertion criteria provided. Collection method: clinical testing. Allele origin: germline.
Comment: The PKHD1 c.7275delT variant is predicted to result in a frameshift and premature protein termination (p.Phe2425Leufs*43). This variant has not been reported in the literature or in a large population database, indicating this variant is rare. Truncating variants in PKHD1 are expected to be pathogenic. This variant is interpreted as pathogenic.